The following is an entry in ClinVar:

ClinVar aggregate classification (germline): Uncertain significance. Review status: criteria provided, multiple submitters, no conflicts (2 of 4 stars). 7 submissions from 7 submitters: Uncertain significance (6). 1 of the submissions does not count toward it. Last evaluated 2025-03-07.

Conditions:
Tyrosinemia type I (TYRSN1). Also called: Deficiency of fumarylacetoacetase; FAH DEFICIENCY; Tyrosinemia type 1; Fumarylacetoacetase deficiency; HEPATORENAL TYROSINEMIA. Identifiers: Orphanet 882, MedGen C0268490, MONDO:0010161, OMIM 276700. Disease mechanism: loss of function.

Allele frequency attached by ClinVar (database versions not stated): ExAC 0.00029; 1000 Genomes Project 30x 0.00031; TOPMed 0.00037; 1000 Genomes Project 0.00020; gnomAD exomes 0.00066 and 0.00025; gnomAD 0.00040 and 0.00038; ESP Exome Variant Server 0.00054.
gnomAD v4.1: 1,046 of 1,613,970 alleles (0.065%); highest among the groups gnomAD compares: Non-Finnish European, 0.082%; 1 homozygote.

Submissions (7):

Mayo Clinic Laboratories, Mayo Clinic
Classification: Uncertain significance. Last evaluated: 2025-03-07. Review status: criteria provided, single submitter. Criteria: ACMG Guidelines, 2015. Collection method: clinical testing. Allele origin: germline. Observed: 2 variant alleles.
Comment: PP3, PM2_supporting

Blueprint Genetics
Classification: Uncertain significance. Last evaluated: 2024-10-21. Review status: criteria provided, single submitter. Criteria: ACMG Guidelines, 2015. Collection method: clinical testing. Allele origin: germline.

Fulgent Genetics
Classification: Uncertain significance for Tyrosinemia type I. Last evaluated: 2024-03-19. Review status: criteria provided, single submitter. Criteria: ACMG Guidelines, 2015. Collection method: clinical testing. Allele origin: germline.

Labcorp Genetics (formerly Invitae), Labcorp
Classification: Uncertain significance for Tyrosinemia type I. Last evaluated: 2024-01-29. Review status: criteria provided, single submitter. Criteria: Invitae Variant Classification Sherloc (09022015). Collection method: clinical testing. Allele origin: germline.
Comment: This sequence change replaces histidine, which is basic and polar, with glutamine, which is neutral and polar, at codon 154 of the FAH protein (p.His154Gln). This variant is present in population databases (rs144234072, gnomAD 0.04%). This variant has not been reported in the literature in individuals affected with FAH-related conditions. ClinVar contains an entry for this variant (Variation ID: 887284). Advanced modeling of protein sequence and biophysical properties (such as structural, functional, and spatial information, amino acid conservation, physicochemical variation, residue mobility, and thermodynamic stability) performed at Invitae indicates that this missense variant is not expected to disrupt FAH protein function with a negative predictive value of 80%. In summary, the available evidence is currently insufficient to determine the role of this variant in disease. Therefore, it has been classified as a Variant of Uncertain Significance.

GeneDx
Classification: Uncertain significance. Last evaluated: 2022-08-15. Review status: criteria provided, single submitter. Criteria: GeneDx Variant Classification Process June 2021. Collection method: clinical testing. Allele origin: germline. Affected: yes.
Comment: In silico analysis supports that this missense variant has a deleterious effect on protein structure/function; Has not been previously published in a patient with FAH-related tyrosinemia or as a benign variant to our knowledge; This variant is associated with the following publications: (PMID: 26415585, 28827549)

Illumina Laboratory Services, Illumina
Classification: Uncertain significance for Tyrosinemia type I. Last evaluated: 2018-01-12. Review status: criteria provided, single submitter. Criteria: ICSL Variant Classification Criteria 13 December 2019. Collection method: clinical testing. Allele origin: germline.

Natera, Inc.
Classification: Uncertain significance for Tyrosinemia type I. Last evaluated: 2020-04-19. Review status: no assertion criteria provided. Collection method: clinical testing. Allele origin: germline. Not counted in ClinVar's aggregate classification.

NM_000137.4(FAH):c.462C>A (p.His154Gln)

Gene: FAH (fumarylacetoacetate hydrolase; plus strand). Cytogenetic location: 15q25.1.
Variant type: single nucleotide variant.
Coding change: c.462C>A on transcript NM_000137.4 (MANE Select); coding-DNA position 462, C replaced by A.
Protein change: p.His154Gln; replaces histidine 154 with glutamine.
Molecular consequence: missense variant.
Genome position (GRCh38, 1-based): chr15:80,168,058, C>A. VCF-style: chr15-80168058-C-A. GRCh37 (hg19) VCF-style: chr15-80460400-C-A.
Other names: p.His154Gln; c.462C>A, p.His154Gln (NM_001374377.1, NM_001374380.1); c.462C>A (NM_000137.3); short protein forms H154Q.
Identifiers: ClinVar variation 887284 (VCV000887284.17), dbSNP rs144234072, ClinGen allele CA7691193.
Genomic context (GRCh38, chr15:80,168,058, plus strand): 5'-TTGACAACATATAACAGCTCTGATGCCCTGCATTCTCTTGCCTTCCTTTCTCAGGCTGCA[C>A]TTACCAGTGGGCTACCATGGCCGTGCCTCCTCTGTCGTGGTGTCTGGCACCCCAATCCGA-3'
Protein context (NP_000128.1, residues 144-164): KENALMPNWL[His154Gln]LPVGYHGRAS